The following is an entry in ClinVar:

ClinVar aggregate classification (germline): Benign. Review status: reviewed by expert panel (3 of 4 stars). 23 submissions from 20 submitters: Benign (1). 22 of the submissions do not count toward it. Last evaluated 2025-11-11.

Conditions:
Myosin storage myopathy (CMYO7A). Also called: MYOPATHY WITH LYSIS OF TYPE I MYOFIBRILS; MYOPATHY, HYALINE BODY, AUTOSOMAL DOMINANT; MYH7-related late-onset scapuloperoneal muscular dystrophy; Congenital myopathy 7A, myosin storage, autosomal dominant; SCAPULOPERONEAL MUSCULAR DYSTROPHY; SCAPULOPERONEAL SYNDROME, MYOPATHIC TYPE. Identifiers: Orphanet 437572, Orphanet 636965, MedGen C1842160, MONDO:0008409, OMIM 608358.
Cardiovascular phenotype. Identifiers: MedGen CN230736.
Cardiomyopathy (CMYO). Also called: Cardiomyopathies. Identifiers: Orphanet 167848, MedGen C0878544, MONDO:0004994, HP:0001638. Inheritance: Various modes of inheritance.
MYH7-related skeletal myopathy. Also called: Myopathy, distal, 1; Laing distal myopathy; Laing early-onset distal myopathy; MYOPATHY, DISTAL, EARLY-ONSET, AUTOSOMAL DOMINANT; MYOPATHY, LATE DISTAL HEREDITARY. Identifiers: Orphanet 59135, MedGen C4552004, MONDO:0008050, OMIM 160500.
Hypertrophic cardiomyopathy 1 (CMH1). Also called: MYH7-Related Familial Hypertrophic Cardiomyopathy; Familial hypertrophic cardiomyopathy 1. Identifiers: MedGen C3495498, MONDO:0008647, OMIM 192600.
Dilated cardiomyopathy 1S (CMD1S). Identifiers: Orphanet 154, Orphanet 54260, MedGen C1834481, MONDO:0013262, OMIM 613426.
Hypertrophic cardiomyopathy. Also called: HYPERTROPHIC MYOCARDIOPATHY. Identifiers: Orphanet 217569, MedGen C0007194, MeSH D002312, MONDO:0005045, HP:0001639.

Allele frequency attached by ClinVar (database versions not stated): 1000 Genomes Project 0.07967; 1000 Genomes Project 30x 0.08292; TOPMed 0.13257; gnomAD 0.13321 and 0.13859; ESP Exome Variant Server 0.14885.
gnomAD v4.1: 230,135 of 1,613,522 alleles (14%); highest among the groups gnomAD compares: Non-Finnish European, 16%; 17,965 homozygotes.

Submissions (23):

ClinGen Cardiomyopathy Variant Curation Expert Panel
Classification: Benign for Hypertrophic cardiomyopathy. Last evaluated: 2025-11-11. Review status: reviewed by expert panel. Criteria: ClinGen CMP ACMG Specifications v1. Collection method: curation. Allele origin: germline. Inheritance: Autosomal dominant inheritance.
Comment: The filtering allele frequency of the c.1095G>A (p.Lys365=) variant in the MYH7 gene is 15.42% (10459/66736) of European chromosomes by the Exome Aggregation Consortium, which is a high enough frequency to be classified as benign based on thresholds defined by the ClinGen Inherited Cardiomyopathy Expert Panel (BA1; PMID:29300372).

Labcorp Genetics (formerly Invitae), Labcorp
Classification: Benign for Hypertrophic cardiomyopathy. Last evaluated: 2026-02-04. Review status: criteria provided, single submitter. Criteria: Invitae Variant Classification Sherloc (09022015). Collection method: clinical testing. Allele origin: germline. Not counted in ClinVar's aggregate classification.

ARUP Laboratories, Molecular Genetics and Genomics, ARUP Laboratories
Classification: Benign. Last evaluated: 2025-07-08. Review status: criteria provided, single submitter. Criteria: ARUP Molecular Germline Variant Investigation Process 2024. Collection method: clinical testing. Allele origin: germline. Not counted in ClinVar's aggregate classification.

Blueprint Genetics
Classification: Benign. Last evaluated: 2024-11-27. Review status: criteria provided, single submitter. Criteria: ACMG Guidelines, 2015. Collection method: clinical testing. Allele origin: germline. Not counted in ClinVar's aggregate classification.

Cohesion Phenomics
Classification: Benign for Cardiomyopathy. Last evaluated: 2022-10-10. Review status: criteria provided, single submitter. Criteria: ACMG Guidelines, 2015. Collection method: clinical testing. Allele origin: germline. Affected: yes. Not counted in ClinVar's aggregate classification.

Color Diagnostics, LLC DBA Color Health
Classification: Benign for Cardiomyopathy. Last evaluated: 2018-03-15. Review status: criteria provided, single submitter. Criteria: ACMG Guidelines, 2015. Collection method: clinical testing. Allele origin: germline. Not counted in ClinVar's aggregate classification.

Illumina Laboratory Services, Illumina
Classification: Benign for MYH7-related skeletal myopathy. Last evaluated: 2018-01-13. Review status: criteria provided, single submitter. Criteria: ICSL Variant Classification Criteria 13 December 2019. Collection method: clinical testing. Allele origin: germline. Not counted in ClinVar's aggregate classification.
Comment: This variant was observed in the ICSL laboratory as part of a predisposition screen in an ostensibly healthy population. It had not been previously curated by ICSL or reported in the Human Gene Mutation Database (HGMD: prior to June 1st, 2018), and was therefore a candidate for classification through an automated scoring system. Utilizing variant allele frequency, disease prevalence and penetrance estimates, and inheritance mode, an automated score was calculated to assess if this variant is too frequent to cause the disease. Based on the score and internal cut-off values, a variant classified as benign is not then subjected to further curation. The score for this variant resulted in a classification of benign for this disease.

Illumina Laboratory Services, Illumina
Classification: Benign for Dilated cardiomyopathy 1S. Last evaluated: 2018-01-13. Review status: criteria provided, single submitter. Criteria: ICSL Variant Classification Criteria 13 December 2019. Collection method: clinical testing. Allele origin: germline. Not counted in ClinVar's aggregate classification.
Comment: the same text as in the submission from Illumina Laboratory Services, Illumina above.

Illumina Laboratory Services, Illumina
Classification: Benign for Myosin storage myopathy. Last evaluated: 2018-01-13. Review status: criteria provided, single submitter. Criteria: ICSL Variant Classification Criteria 13 December 2019. Collection method: clinical testing. Allele origin: germline. Not counted in ClinVar's aggregate classification.
Comment: the same text as in the submission from Illumina Laboratory Services, Illumina above.

Illumina Laboratory Services, Illumina
Classification: Benign for Hypertrophic cardiomyopathy 1. Last evaluated: 2018-01-13. Review status: criteria provided, single submitter. Criteria: ICSL Variant Classification Criteria 13 December 2019. Collection method: clinical testing. Allele origin: germline. Not counted in ClinVar's aggregate classification.
Comment: the same text as in the submission from Illumina Laboratory Services, Illumina above.

Mayo Clinic Laboratories, Mayo Clinic
Classification: Benign. Last evaluated: 2017-07-25. Review status: criteria provided, single submitter. Criteria: ACMG Guidelines, 2015. Collection method: clinical testing. Allele origin: germline. Observed: 622 variant alleles. Not counted in ClinVar's aggregate classification.

Ambry Genetics
Classification: Benign for Cardiovascular phenotype. Last evaluated: 2015-06-19. Review status: criteria provided, single submitter. Criteria: Ambry Variant Classification Scheme 2023. Collection method: clinical testing. Allele origin: germline. Not counted in ClinVar's aggregate classification.

Genetic Services Laboratory, University of Chicago
Classification: Benign for AllHighlyPenetrant. Last evaluated: 2013-08-15. Review status: criteria provided, single submitter. Criteria: ACMG Guidelines, 2007. Collection method: clinical testing. Allele origin: germline. Inheritance: Autosomal dominant inheritance. Not counted in ClinVar's aggregate classification.

GeneDx
Classification: Benign. Last evaluated: 2011-06-27. Review status: criteria provided, single submitter. Criteria: GeneDx Variant Classification (06012015). Collection method: clinical testing. Allele origin: germline. Affected: yes. Not counted in ClinVar's aggregate classification.
Comment: This variant is considered likely benign or benign based on one or more of the following criteria: it is a conservative change, it occurs at a poorly conserved position in the protein, it is predicted to be benign by multiple in silico algorithms, and/or has population frequency not consistent with disease.

Laboratory for Molecular Medicine, Mass General Brigham Personalized Medicine
Classification: Benign. Last evaluated: 2008-01-18. Review status: criteria provided, single submitter. Criteria: LMM Criteria. Collection method: clinical testing. Allele origin: germline. Observed: 1,239 variant alleles. Not counted in ClinVar's aggregate classification.

Breakthrough Genomics
Classification: Benign. Review status: criteria provided, single submitter. Criteria: ACMG Guidelines, 2015. Collection method: not provided. Allele origin: germline. Inheritance: Autosomal recessive inheritance. Affected: yes. Not counted in ClinVar's aggregate classification.

Molecular Diagnostic Laboratory for Inherited Cardiovascular Disease, Montreal Heart Institute
Classification: Benign. Review status: criteria provided, single submitter. Criteria: ACMG Guidelines, 2015. Collection method: clinical testing. Allele origin: germline. Affected: yes. Not counted in ClinVar's aggregate classification.

PreventionGenetics, part of Exact Sciences
Classification: Benign. Review status: criteria provided, single submitter. Criteria: ACMG Guidelines, 2015. Collection method: clinical testing. Allele origin: germline. Not counted in ClinVar's aggregate classification.

Clinical Genetics DNA and cytogenetics Diagnostics Lab, Erasmus MC, Erasmus Medical Center
Classification: Benign. Review status: no assertion criteria provided. Collection method: clinical testing. Allele origin: germline. Affected: yes. Study: VKGL Data-share Consensus. Not counted in ClinVar's aggregate classification.

Clinical Genetics, Academic Medical Center
Classification: Benign. Review status: no assertion criteria provided. Collection method: clinical testing. Allele origin: germline. Affected: yes. Study: VKGL Data-share Consensus. Not counted in ClinVar's aggregate classification.

Diagnostic Laboratory, Department of Genetics, University Medical Center Groningen
Classification: Benign. Review status: no assertion criteria provided. Collection method: clinical testing. Allele origin: germline. Affected: yes. Study: VKGL Data-share Consensus. Not counted in ClinVar's aggregate classification.

Genome Diagnostics Laboratory, University Medical Center Utrecht
Classification: Benign. Review status: no assertion criteria provided. Collection method: clinical testing. Allele origin: germline. Affected: yes. Study: VKGL Data-share Consensus. Not counted in ClinVar's aggregate classification.

Joint Genome Diagnostic Labs from Nijmegen and Maastricht, Radboudumc and MUMC+
Classification: Benign. Review status: no assertion criteria provided. Collection method: clinical testing. Allele origin: germline. Affected: yes. Study: VKGL Data-share Consensus. Not counted in ClinVar's aggregate classification.

Literature cited by the submitters: PubMed 29300372 (cited by ClinGen Cardiomyopathy Variant Curation Expert Panel).

NM_000257.4(MYH7):c.1095G>A (p.Lys365=)

Gene: MYH7 (myosin heavy chain 7; minus strand). Cytogenetic location: 14q11.2.
Variant type: single nucleotide variant.
Coding change: c.1095G>A on transcript NM_000257.4 (MANE Select); coding-DNA position 1095, G replaced by A.
Protein change: p.Lys365=; no amino-acid change (lysine 365 retained).
Molecular consequence: synonymous variant.
Genome position (GRCh38, 1-based): chr14:23,429,818, C>T on the plus strand (G>A on the coding strand, the complement: MYH7 is on the minus strand). VCF-style: chr14-23429818-C-T. GRCh37 (hg19) VCF-style: chr14-23899027-C-T.
Other names: p.K365K:AAG>AAA; NM_000257.3(MYH7):c.1095G>A.
Identifiers: ClinVar variation 42821 (VCV000042821.47), dbSNP rs735711, ClinGen allele CA010173.